The following is an entry in ClinVar:

ClinVar aggregate classification (germline): Uncertain significance (1 of 4 stars; one submission).

Conditions:
Neuropathy, hereditary sensory and autonomic, type 2A (HSAN2A). Also called: ACROOSTEOLYSIS, GIACCAI TYPE; ACROOSTEOLYSIS, NEUROGENIC; MORVAN DISEASE; NEUROPATHY, CONGENITAL SENSORY; NEUROPATHY, HEREDITARY SENSORY RADICULAR, AUTOSOMAL RECESSIVE; NEUROPATHY, HEREDITARY SENSORY, TYPE IIA. Identifiers: Orphanet 970, MedGen C2752089, MONDO:0024309, OMIM 201300.
Pseudohypoaldosteronism type 2C (PHA2C). Also called: Pseudohypoaldosteronism Type IIC. Identifiers: Orphanet 757, Orphanet 88940, MedGen C1840391, MONDO:0013778, OMIM 614492.

gnomAD v4.1: 1 of 1,600,102 alleles (0.000062%); highest among the groups gnomAD compares: African/African-American, 0.0013%; no homozygotes.

Submission:

Labcorp Genetics (formerly Invitae), Labcorp
Classification: Uncertain significance for Neuropathy, hereditary sensory and autonomic, type 2A; Pseudohypoaldosteronism type 2C. Last evaluated: 2024-09-12. Review status: criteria provided, single submitter. Criteria: Invitae Variant Classification Sherloc (09022015). Collection method: clinical testing. Allele origin: germline.
Comment: This sequence change replaces aspartic acid, which is acidic and polar, with glutamic acid, which is acidic and polar, at codon 1145 of the WNK1 protein (p.Asp1145Glu). The frequency data for this variant in the population databases is considered unreliable, as metrics indicate poor data quality at this position in the gnomAD database. This variant has not been reported in the literature in individuals affected with WNK1-related conditions. Invitae Evidence Modeling of protein sequence and biophysical properties (such as structural, functional, and spatial information, amino acid conservation, physicochemical variation, residue mobility, and thermodynamic stability) indicates that this missense variant is not expected to disrupt WNK1 protein function with a negative predictive value of 95%. In summary, the available evidence is currently insufficient to determine the role of this variant in disease. Therefore, it has been classified as a Variant of Uncertain Significance.

NM_213655.5(WNK1):c.3435C>A (p.Asp1145Glu)

Gene: WNK1 (WNK lysine deficient protein kinase 1; plus strand). Cytogenetic location: 12p13.33.
Variant type: single nucleotide variant.
Coding change: c.3435C>A on transcript NM_213655.5 (MANE Plus Clinical); coding-DNA position 3435, C replaced by A.
Protein change: p.Asp1145Glu; replaces aspartic acid 1145 with glutamic acid.
Molecular consequence: missense variant. On other transcripts: intron variant (2).
Genome position (GRCh38, 1-based): chr12:868,906, C>A. VCF-style: chr12-868906-C-A. GRCh37 (hg19) VCF-style: chr12-978072-C-A.
Other names: c.3180C>A, p.Asp1060Glu (NM_001184985.2); c.2140-2359C>A (NM_018979.4, NM_014823.3); short protein forms D1060E, D1145E.
Identifiers: ClinVar variation 3760849 (VCV003760849.2).